The following is an entry in ClinVar:

ClinVar aggregate classification (germline): Uncertain significance (1 of 4 stars; one submission).

gnomAD v4.1: 14 of 1,613,590 alleles (0.00087%); highest among the groups gnomAD compares: South Asian, 0.0033%; no homozygotes.

Submission:

Labcorp Genetics (formerly Invitae), Labcorp
Classification: Uncertain significance. Last evaluated: 2025-06-11. Review status: criteria provided, single submitter. Criteria: Invitae Variant Classification Sherloc (09022015). Collection method: clinical testing. Allele origin: germline.
Comment: This sequence change replaces proline, which is neutral and non-polar, with leucine, which is neutral and non-polar, at codon 673 of the DIP2C protein (p.Pro673Leu). This variant is present in population databases (rs751334165, gnomAD 0.007%). This variant has not been reported in the literature in individuals affected with DIP2C-related conditions. An algorithm developed to predict the effect of missense changes on protein structure and function (PolyPhen-2) suggests that this variant is likely to be disruptive. In summary, the available evidence is currently insufficient to determine the role of this variant in disease. Therefore, it has been classified as a Variant of Uncertain Significance.

NM_014974.3(DIP2C):c.2018C>T (p.Pro673Leu)

Gene: DIP2C (DIP2 acetate--CoA ligase C (putative); minus strand). Cytogenetic location: 10p15.3.
Variant type: single nucleotide variant.
Coding change: c.2018C>T on transcript NM_014974.3 (MANE Select); coding-DNA position 2018, C replaced by T.
Protein change: p.Pro673Leu; replaces proline 673 with leucine.
Molecular consequence: missense variant.
Genome position (GRCh38, 1-based): chr10:369,607, G>A on the plus strand (C>T on the coding strand, the complement: DIP2C is on the minus strand). VCF-style: chr10-369607-G-A. GRCh37 (hg19) VCF-style: chr10-415547-G-A.
Other names: short protein forms P673L.
Identifiers: ClinVar variation 4697015 (VCV004697015.1).